The following is an entry in ClinVar:

NM_006922.4(SCN3A):c.1902G>A (p.Met634Ile)

Gene: SCN3A (sodium voltage-gated channel alpha subunit 3; minus strand). Cytogenetic location: 2q24.3.
Variant type: single nucleotide variant.
Coding change: c.1902G>A on transcript NM_006922.4 (MANE Select); coding-DNA position 1902, G replaced by A.
Protein change: p.Met634Ile; replaces methionine 634 with isoleucine.
Molecular consequence: missense variant. On other transcripts: intron variant (2).
Genome position (GRCh38, 1-based): chr2:165,140,768, C>T on the plus strand (G>A on the coding strand, the complement: SCN3A is on the minus strand). VCF-style: chr2-165140768-C-T. GRCh37 (hg19) VCF-style: chr2-165997278-C-T.
Other names: c.1872+30G>A (NM_001081676.2, NM_001081677.2); short protein forms M634I.
Identifiers: ClinVar variation 2746588 (VCV002746588.3), dbSNP rs1388030663, ClinGen allele CA349046339.

ClinVar aggregate classification (germline): Uncertain significance (1 of 4 stars; one submission).

Submission:

Labcorp Genetics (formerly Invitae), Labcorp
Classification: Uncertain significance. Last evaluated: 2024-08-12. Review status: criteria provided, single submitter. Criteria: Invitae Variant Classification Sherloc (09022015). Collection method: clinical testing. Allele origin: germline.
Comment: This sequence change replaces methionine, which is neutral and non-polar, with isoleucine, which is neutral and non-polar, at codon 634 of the SCN3A protein (p.Met634Ile). This variant is not present in population databases (gnomAD no frequency). This variant has not been reported in the literature in individuals affected with SCN3A-related conditions. Advanced modeling of protein sequence and biophysical properties (such as structural, functional, and spatial information, amino acid conservation, physicochemical variation, residue mobility, and thermodynamic stability) performed at Invitae indicates that this missense variant is not expected to disrupt SCN3A protein function with a negative predictive value of 95%. In summary, the available evidence is currently insufficient to determine the role of this variant in disease. Therefore, it has been classified as a Variant of Uncertain Significance.